The following is an entry in ClinVar:

NM_002473.6(MYH9):c.3700A>C (p.Lys1234Gln)

Gene: MYH9 (myosin heavy chain 9; minus strand). Cytogenetic location: 22q12.3.
Variant type: single nucleotide variant.
Coding change: c.3700A>C on transcript NM_002473.6 (MANE Select); coding-DNA position 3700, A replaced by C.
Protein change: p.Lys1234Gln; replaces lysine 1234 with glutamine.
Molecular consequence: missense variant.
Genome position (GRCh38, 1-based): chr22:36,294,229, T>G on the plus strand (A>C on the coding strand, the complement: MYH9 is on the minus strand). VCF-style: chr22-36294229-T-G. GRCh37 (hg19) VCF-style: chr22-36690275-T-G.
Other names: c.3700A>C (NM_002473.4); short protein forms K1234Q.
Identifiers: ClinVar variation 2789257 (VCV002789257.5), dbSNP rs2016753923, ClinGen allele CA411386659.
Genomic context (GRCh38, chr22:36,294,229, plus strand): 5'-GCTGCGCCTCCACTTTCTTGCGCTTGTGCTCCGAGTCCCCTTTGCCCTGCAGCAGCACCT[T>G]CACCTCGTTGGCCAGCTCCCCCCGCTCGTTCTCCAGAGTCTGCTTTGCCTTCTCGAGGTT-3'
Protein context (NP_002464.1, residues 1224-1244): NERGELANEV[Lys1234Gln]VLLQGKGDSE

ClinVar aggregate classification (germline): Uncertain significance. Review status: criteria provided, multiple submitters, no conflicts (2 of 4 stars). 3 submissions from 3 submitters: Uncertain significance (3). Last evaluated 2025-09-02.

Conditions:
Inborn genetic diseases. Identifiers: MedGen C0950123, MeSH D030342.
MYH9-related disorder. Identifiers: MedGen C1854520.

gnomAD v4.1: 4 of 1,614,128 alleles (0.00025%); highest among the groups gnomAD compares: South Asian, 0.0011%; no homozygotes.

Submissions (3):

PreventionGenetics, part of Exact Sciences
Classification: Uncertain significance for MYH9-related condition. Last evaluated: 2025-09-02. Review status: criteria provided, single submitter. Criteria: ACMG Guidelines, 2015. Collection method: clinical testing. Allele origin: germline.
Comment: The MYH9 c.3700A>C variant is predicted to result in the amino acid substitution p.Lys1234Gln. To our knowledge, this variant has not been reported in the literature or in a large population database (gnomAD), indicating this variant is rare. At this time, the clinical significance of this variant is uncertain due to the absence of conclusive functional and genetic evidence.

Ambry Genetics
Classification: Uncertain significance for Inborn genetic diseases. Last evaluated: 2025-03-26. Review status: criteria provided, single submitter. Criteria: Ambry Variant Classification Scheme 2023. Collection method: clinical testing. Allele origin: germline.

Labcorp Genetics (formerly Invitae), Labcorp
Classification: Uncertain significance. Last evaluated: 2023-04-14. Review status: criteria provided, single submitter. Criteria: Invitae Variant Classification Sherloc (09022015). Collection method: clinical testing. Allele origin: germline.
Comment: This variant has not been reported in the literature in individuals affected with MYH9-related conditions. In summary, the available evidence is currently insufficient to determine the role of this variant in disease. Therefore, it has been classified as a Variant of Uncertain Significance. Advanced modeling of protein sequence and biophysical properties (such as structural, functional, and spatial information, amino acid conservation, physicochemical variation, residue mobility, and thermodynamic stability) performed at Invitae indicates that this missense variant is not expected to disrupt MYH9 protein function. This variant is not present in population databases (gnomAD no frequency). This sequence change replaces lysine, which is basic and polar, with glutamine, which is neutral and polar, at codon 1234 of the MYH9 protein (p.Lys1234Gln).